The following is an entry in ClinVar:

ClinVar aggregate classification (germline): Likely benign. Review status: criteria provided, multiple submitters, no conflicts (2 of 4 stars). 3 submissions from 3 submitters: Likely benign (3). Last evaluated 2026-01-19.

Conditions:
Spastic paraplegia. Identifiers: MedGen C0037772, HP:0001258.

Allele frequency attached by ClinVar (database versions not stated): ExAC 0.00003; gnomAD exomes 0.00006 and 0.00011; gnomAD 0.00012 and 0.00013; TOPMed 0.00020.
gnomAD v4.1: 56 of 1,614,122 alleles (0.0035%); highest among the groups gnomAD compares: Admixed American, 0.09%; no homozygotes.

Submissions (3):

Labcorp Genetics (formerly Invitae), Labcorp
Classification: Likely benign for Spastic paraplegia. Last evaluated: 2026-01-19. Review status: criteria provided, single submitter. Criteria: Invitae Variant Classification Sherloc (09022015). Collection method: clinical testing. Allele origin: germline.

CeGaT Center for Human Genetics Tuebingen
Classification: Likely benign. Last evaluated: 2025-09-01. Review status: criteria provided, single submitter. Criteria: CeGaT Center For Human Genetics Tuebingen Variant Classification Criteria Version 2. Collection method: clinical testing. Allele origin: germline. Affected: yes. Observed: 1 variant allele.
Comment: ZFYVE26: BP4, BP7

Mayo Clinic Laboratories, Mayo Clinic
Classification: Likely benign. Last evaluated: 2025-08-07. Review status: criteria provided, single submitter. Criteria: ACMG Guidelines, 2015. Collection method: clinical testing. Allele origin: germline. Observed: 1 variant allele.
Comment: BP4, BP7

NM_015346.4(ZFYVE26):c.3300G>T (p.Leu1100=)

Gene: ZFYVE26 (zinc finger FYVE-type containing 26; minus strand). Cytogenetic location: 14q24.1.
Variant type: single nucleotide variant.
Coding change: c.3300G>T on transcript NM_015346.4 (MANE Select); coding-DNA position 3300, G replaced by T.
Protein change: p.Leu1100=; no amino-acid change (leucine 1100 retained).
Molecular consequence: synonymous variant.
Genome position (GRCh38, 1-based): chr14:67,785,862, C>A on the plus strand (G>T on the coding strand, the complement: ZFYVE26 is on the minus strand). VCF-style: chr14-67785862-C-A. GRCh37 (hg19) VCF-style: chr14-68252579-C-A.
Other names: p.Leu1100=.
Identifiers: ClinVar variation 701301 (VCV000701301.18), dbSNP rs555141551, ClinGen allele CA7240031.